The following is an entry in ClinVar:

NM_018359.5(UFSP2):c.311A>G (p.Lys104Arg)

Genes: CFAP96 (cilia and flagella associated protein 96; plus strand), UFSP2 (UFM1 specific peptidase 2; minus strand). Cytogenetic location: 4q35.1.
Variant type: single nucleotide variant.
Coding change: c.311A>G on transcript NM_018359.5 (MANE Select); coding-DNA position 311, A replaced by G.
Protein change: p.Lys104Arg; replaces lysine 104 with arginine.
Molecular consequence: missense variant. On other transcripts: non-coding transcript variant (2).
Genome position (GRCh38, 1-based): chr4:185,418,463, T>C on the plus strand (A>G on the coding strand, the complement: UFSP2 is on the minus strand). VCF-style: chr4-185418463-T-C. GRCh37 (hg19) VCF-style: chr4-186339617-T-C.
Other names: short protein forms K104R.
Identifiers: ClinVar variation 2340974 (VCV002340974.3), dbSNP rs911698314, ClinGen allele CA112067097.

ClinVar aggregate classification (germline): Uncertain significance. Review status: criteria provided, multiple submitters, no conflicts (2 of 4 stars). 2 submissions from 2 submitters: Uncertain significance (2). Last evaluated 2026-09-01.

Allele frequency attached by ClinVar (database versions not stated): gnomAD exomes 0.00002; TOPMed 0.00001.
gnomAD v4.1: 24 of 1,610,498 alleles (0.0015%); highest among the groups gnomAD compares: Non-Finnish European, 0.0018%; no homozygotes.

Submissions (2):

CeGaT Center for Human Genetics Tuebingen
Classification: Uncertain significance. Last evaluated: 2026-09-01. Review status: criteria provided, single submitter. Criteria: CeGaT Center For Human Genetics Tuebingen Variant Classification Criteria Version 2. Collection method: clinical testing. Allele origin: germline. Affected: yes. Observed: 1 variant allele.
Comment: UFSP2: PM2, PM3:Supporting, BP4

Ambry Genetics
Classification: Uncertain significance. Last evaluated: 2021-12-02. Review status: criteria provided, single submitter. Criteria: Ambry Variant Classification Scheme 2023. Collection method: clinical testing. Allele origin: germline.